The following is an entry in ClinVar:

ClinVar aggregate classification (germline): Uncertain significance (1 of 4 stars; one submission).

gnomAD v4.1: 2 of 1,613,976 alleles (0.00012%); highest among the groups gnomAD compares: African/African-American, 0.0027%; no homozygotes.

Submission:

GeneDx
Classification: Uncertain significance. Last evaluated: 2025-01-20. Review status: criteria provided, single submitter. Criteria: GeneDx Variant Classification Process June 2021. Collection method: clinical testing. Allele origin: germline. Affected: yes.
Comment: In silico analysis supports that this missense variant has a deleterious effect on protein structure/function; Has not been previously published as pathogenic or benign to our knowledge

NM_001128178.3(NPHP1):c.1843C>T (p.Pro615Ser)

Gene: NPHP1 (nephrocystin 1; minus strand). Cytogenetic location: 2q13.
Variant type: single nucleotide variant.
Coding change: c.1843C>T on transcript NM_001128178.3 (MANE Select); coding-DNA position 1843, C replaced by T.
Protein change: p.Pro615Ser; replaces proline 615 with serine.
Molecular consequence: missense variant. On other transcripts: 3 prime UTR variant (1).
Genome position (GRCh38, 1-based): chr2:110,123,982, G>A on the plus strand (C>T on the coding strand, the complement: NPHP1 is on the minus strand). VCF-style: chr2-110123982-G-A. GRCh37 (hg19) VCF-style: chr2-110881559-G-A.
Other names: c.2011C>T, p.Pro671Ser (NM_000272.5); c.1654C>T, p.Pro552Ser (NM_001128179.3); c.1840C>T, p.Pro614Ser (NM_001374256.1); c.*85C>T (NM_001374257.1); c.2008C>T, p.Pro670Ser (NM_207181.4); short protein forms P552S, P614S, P615S, P670S, P671S.
Identifiers: ClinVar variation 4070880 (VCV004070880.1).
Genomic context (GRCh38, chr2:110,123,982, plus strand): 5'-AGTCAGTGATAACTTTCCACCGTGCAGTCTCAGTCTCTTCTTCTGCCCACCTGAATGGGG[G>A]TAGGCGTGTGGAGTGGAGAAGTGGGAGCACGCAGTCATGGTAAACCAGGAGAAACGTGGA-3'
Protein context (NP_001121650.1, residues 605-625): VLPLLHSTRL[Pro615Ser]PFRWAEEETE